The following is an entry in ClinVar:

ClinVar aggregate classification (germline): Uncertain significance (1 of 4 stars; one submission).

gnomAD v4.1: 1 of 1,612,866 alleles (0.000062%); highest among the groups gnomAD compares: Non-Finnish European, 0.000085%; no homozygotes.

Submission:

Labcorp Genetics (formerly Invitae), Labcorp
Classification: Uncertain significance. Last evaluated: 2024-06-21. Review status: criteria provided, single submitter. Criteria: Invitae Variant Classification Sherloc (09022015). Collection method: clinical testing. Allele origin: germline.
Comment: This sequence change replaces proline, which is neutral and non-polar, with leucine, which is neutral and non-polar, at codon 261 of the COL9A3 protein (p.Pro261Leu). This variant is not present in population databases (gnomAD no frequency). This variant has not been reported in the literature in individuals affected with COL9A3-related conditions. Advanced modeling of protein sequence and biophysical properties (such as structural, functional, and spatial information, amino acid conservation, physicochemical variation, residue mobility, and thermodynamic stability) performed at Invitae indicates that this missense variant is not expected to disrupt COL9A3 protein function with a negative predictive value of 95%. In summary, the available evidence is currently insufficient to determine the role of this variant in disease. Therefore, it has been classified as a Variant of Uncertain Significance.

NM_001853.4(COL9A3):c.782C>T (p.Pro261Leu)

Gene: COL9A3 (collagen type IX alpha 3 chain; plus strand). Cytogenetic location: 20q13.33.
Variant type: single nucleotide variant.
Coding change: c.782C>T on transcript NM_001853.4 (MANE Select); coding-DNA position 782, C replaced by T.
Protein change: p.Pro261Leu; replaces proline 261 with leucine.
Molecular consequence: missense variant.
Genome position (GRCh38, 1-based): chr20:62,826,810, C>T. VCF-style: chr20-62826810-C-T. GRCh37 (hg19) VCF-style: chr20-61458162-C-T.
Other names: short protein forms P261L.
Identifiers: ClinVar variation 3684051 (VCV003684051.2).